The following is an entry in ClinVar:

ClinVar aggregate classification (germline): Uncertain significance (1 of 4 stars; one submission).

gnomAD v4.1: 1 of 1,613,634 alleles (0.000062%); highest among the groups gnomAD compares: Non-Finnish European, 0.000085%; no homozygotes.

Submission:

Dasa
Classification: Uncertain significance. Last evaluated: 2026-08-10. Review status: criteria provided, single submitter. Criteria: DASA Assertion Criteria. Collection method: clinical testing. Allele origin: germline.
Comment: NM_001395002.1(MAP4K4):c.4022T>C (p.Met1341Thr) is a missense variant that results in the substitution of methionine with threonine. This variant is rare in population databases. Computational prediction algorithms are consistent with a deleterious effect. The currently available literature and clinical evidence are not sufficient to establish a definitive association between this variant and the reported condition. Therefore, this variant is classified as a variant of uncertain significance.

NM_001395002.1(MAP4K4):c.4022T>C (p.Met1341Thr)

Gene: MAP4K4 (mitogen-activated protein kinase kinase kinase kinase 4; plus strand). Cytogenetic location: 2q11.2.
Variant type: single nucleotide variant.
Coding change: c.4022T>C on transcript NM_001395002.1 (MANE Select); coding-DNA position 4022, T replaced by C.
Protein change: p.Met1341Thr; replaces methionine 1341 with threonine.
Molecular consequence: missense variant. On other transcripts: non-coding transcript variant (4).
Genome position (GRCh38, 1-based): chr2:101,888,886, T>C. VCF-style: chr2-101888886-T-C. GRCh37 (hg19) VCF-style: chr2-102505348-T-C.
Other names: c.3572T>C, p.Met1191Thr (NM_001384579.1, NM_001384491.1); c.3365T>C, p.Met1122Thr (NM_004834.5); c.3689T>C, p.Met1230Thr (NM_145686.4); c.3506T>C, p.Met1169Thr (NM_145687.4, NM_001384559.1); c.3587T>C, p.Met1196Thr (NM_001242559.2); c.3575T>C, p.Met1192Thr (NM_001242560.2); c.3665T>C, p.Met1222Thr (NM_001384476.1); c.3854T>C, p.Met1285Thr (NM_001384477.1); and 40 more; short protein forms M1106T, M1112T, M1115T, M1122T, M1134T, M1145T, M1146T, M1157T.
Identifiers: ClinVar variation 5020311 (VCV005020311.1).
Genomic context (GRCh38, chr2:101,888,886, plus strand): 5'-GGGGAGAGAAGGCCATAGAGATCCGATCTGTGGAAACTGGTCACTTGGATGGTGTGTTCA[T>C]GCACAAAAGGGCTCAAAGACTAAAATTCTTGTGTGAACGCAATGACAAGGTAATAGTTCC-3'
Protein context (NP_001381931.1, residues 1331-1351): VETGHLDGVF[Met1341Thr]HKRAQRLKFL